The following is an entry in ClinVar:

NM_001277115.2(DNAH11):c.12175G>A (p.Ala4059Thr)

Gene: DNAH11 (dynein axonemal heavy chain 11; plus strand). Cytogenetic location: 7p15.3.
Variant type: single nucleotide variant.
Coding change: c.12175G>A on transcript NM_001277115.2 (MANE Select); coding-DNA position 12175, G replaced by A.
Protein change: p.Ala4059Thr; replaces alanine 4059 with threonine.
Molecular consequence: missense variant.
Genome position (GRCh38, 1-based): chr7:21,873,481, G>A. VCF-style: chr7-21873481-G-A. GRCh37 (hg19) VCF-style: chr7-21913099-G-A.
Other names: short protein forms A4059T.
Identifiers: ClinVar variation 227317 (VCV000227317.22), dbSNP rs142372794, ClinGen allele CA4182980.
Genomic context (GRCh38, chr7:21,873,481, plus strand): 5'-GAAAATTCCATTAAGATCACTAATGAACCCCCAACAGGGATGCTGGCCAATTTGCATGCC[G>A]CCCTGTACAACTTTGATCAGGTAAGAAAGCGAAGCAGGCTAGGCAGACAATGAAGTCAGA-3'
Protein context (NP_001264044.1, residues 4049-4069): PTGMLANLHA[Ala4059Thr]LYNFDQDTLE

ClinVar aggregate classification (germline): Conflicting classifications of pathogenicity. Review status: criteria provided, conflicting classifications (1 of 4 stars). 7 submissions from 7 submitters: Uncertain significance (2); Benign (2); Likely benign (3). Last evaluated 2026-02-01.

Conditions:
Primary ciliary dyskinesia 7. Also called: CILIARY DYSKINESIA, PRIMARY, 7, WITH OR WITHOUT SITUS INVERSUS. Identifiers: Orphanet 244, MedGen C2678473, MONDO:0012748, OMIM 611884.
Primary ciliary dyskinesia. Also called: Ciliary dyskinesia. Identifiers: Orphanet 244, MedGen C0008780, MONDO:0016575, HP:0012265.

Allele frequency attached by ClinVar (database versions not stated): ExAC 0.00056; ESP Exome Variant Server 0.00155; TOPMed 0.00162; gnomAD 0.00168; 1000 Genomes Project 30x 0.00312; 1000 Genomes Project 0.00339.
gnomAD v4.1: 959 of 1,613,916 alleles (0.059%); highest among the groups gnomAD compares: African/African-American, 0.51%; no homozygotes.

Submissions (7):

Labcorp Genetics (formerly Invitae), Labcorp
Classification: Likely benign for Primary ciliary dyskinesia. Last evaluated: 2026-02-01. Review status: criteria provided, single submitter. Criteria: Invitae Variant Classification Sherloc (09022015). Collection method: clinical testing. Allele origin: germline.

Mayo Clinic Laboratories, Mayo Clinic
Classification: Likely benign. Last evaluated: 2025-02-05. Review status: criteria provided, single submitter. Criteria: ACMG Guidelines, 2015. Collection method: clinical testing. Allele origin: germline. Observed: 1 variant allele.
Comment: BS1, BP4

Blueprint Genetics
Classification: Uncertain significance. Last evaluated: 2024-10-23. Review status: criteria provided, single submitter. Criteria: ACMG Guidelines, 2015. Collection method: clinical testing. Allele origin: germline.

Illumina Laboratory Services, Illumina
Classification: Uncertain significance for Primary ciliary dyskinesia 7. Last evaluated: 2018-01-12. Review status: criteria provided, single submitter. Criteria: ICSL Variant Classification Criteria 13 December 2019. Collection method: clinical testing. Allele origin: germline.

Laboratory for Molecular Medicine, Mass General Brigham Personalized Medicine
Classification: Likely benign. Last evaluated: 2016-01-14. Review status: criteria provided, single submitter. Criteria: LMM Criteria. Collection method: clinical testing. Allele origin: germline. Observed: 1 variant allele.
Comment: p.Ala4059Thr in exon 74 of DNAH11: This variant is not expected to have clinical significance because it has been identified in 0.4% (41/9722) of African chromo somes by the Exome Aggregation Consortium (ExAC; dbSNP rs142372794).

Ambry Genetics
Classification: Benign for Primary ciliary dyskinesia. Last evaluated: 2015-08-26. Review status: criteria provided, single submitter. Criteria: Ambry Variant Classification Scheme 2023. Collection method: clinical testing. Allele origin: germline.

PreventionGenetics, part of Exact Sciences
Classification: Benign. Review status: criteria provided, single submitter. Criteria: ACMG Guidelines, 2015. Collection method: clinical testing. Allele origin: germline.